The following is an entry in ClinVar:

NM_000179.3(MSH6):c.3646+4A>G

Gene: MSH6 (mutS homolog 6; plus strand). Cytogenetic location: 2p16.3.
Variant type: single nucleotide variant.
Coding change: c.3646+4A>G on transcript NM_000179.3 (MANE Select); 4 bases into the intron after coding-DNA position 3646, A replaced by G.
Molecular consequence: intron variant.
Genome position (GRCh38, 1-based): chr2:47,805,711, A>G. VCF-style: chr2-47805711-A-G. GRCh37 (hg19) VCF-style: chr2-48032850-A-G.
Other names: c.2740+4A>G (NM_001281493.2, NM_001281494.2); c.3256+4A>G (NM_001281492.2).
Identifiers: ClinVar variation 1999118 (VCV001999118.4), dbSNP rs2530826331, ClinGen allele CA2580067265.
Genomic context (GRCh38, chr2:47,805,711, plus strand): 5'-CTGCCAGCATACTCATGCATGCAACAGCACATTCTCTGGTGCTTGTGGATGAATTAGGTA[A>G]GACATTAAACTTCTCATTTGAAGACTATCTATCTTAAAAACATTTGTACAAATAACTATT-3'

ClinVar aggregate classification (germline): Uncertain significance (1 of 4 stars; one submission).

Conditions:
Hereditary nonpolyposis colorectal neoplasms. Identifiers: MedGen C0009405, MeSH D003123.

Submission:

Labcorp Genetics (formerly Invitae), Labcorp
Classification: Uncertain significance for Hereditary nonpolyposis colorectal neoplasms. Last evaluated: 2022-05-31. Review status: criteria provided, single submitter. Criteria: Invitae Variant Classification Sherloc (09022015). Collection method: clinical testing. Allele origin: germline.
Comment: In summary, the available evidence is currently insufficient to determine the role of this variant in disease. Therefore, it has been classified as a Variant of Uncertain Significance. Variants that disrupt the consensus splice site are a relatively common cause of aberrant splicing (PMID: 17576681, 9536098). Algorithms developed to predict the effect of sequence changes on RNA splicing suggest that this variant is not likely to affect RNA splicing. This variant has not been reported in the literature in individuals affected with MSH6-related conditions. This variant is not present in population databases (gnomAD no frequency). This sequence change falls in intron 7 of the MSH6 gene. It does not directly change the encoded amino acid sequence of the MSH6 protein. It affects a nucleotide within the consensus splice site.

Literature cited by the submitters: PubMed 17576681; PubMed 9536098.